The following is an entry in ClinVar:

NM_001854.4(COL11A1):c.2335G>C (p.Glu779Gln)

Gene: COL11A1 (collagen type XI alpha 1 chain; minus strand). Cytogenetic location: 1p21.1.
Variant type: single nucleotide variant.
Coding change: c.2335G>C on transcript NM_001854.4 (MANE Select); coding-DNA position 2335, G replaced by C.
Protein change: p.Glu779Gln; replaces glutamic acid 779 with glutamine.
Molecular consequence: missense variant. On other transcripts: non-coding transcript variant (1).
Genome position (GRCh38, 1-based): chr1:102,995,869, C>G on the plus strand (G>C on the coding strand, the complement: COL11A1 is on the minus strand). VCF-style: chr1-102995869-C-G. GRCh37 (hg19) VCF-style: chr1-103461425-C-G.
Other names: c.1987G>C, p.Glu663Gln (NM_001168249.1, NM_080630.4); c.2218G>C, p.Glu740Gln (NM_001190709.2); c.2371G>C, p.Glu791Gln (NM_080629.3); short protein forms E791Q, E740Q, E663Q, E779Q.
Identifiers: ClinVar variation 2795350 (VCV002795350.3), dbSNP rs2525285938, ClinGen allele CA341168565.

ClinVar aggregate classification (germline): Uncertain significance (1 of 4 stars; one submission).

Submission:

Labcorp Genetics (formerly Invitae), Labcorp
Classification: Uncertain significance. Last evaluated: 2025-06-04. Review status: criteria provided, single submitter. Criteria: Invitae Variant Classification Sherloc (09022015). Collection method: clinical testing. Allele origin: germline.
Comment: This sequence change replaces glutamic acid, which is acidic and polar, with glutamine, which is neutral and polar, at codon 779 of the COL11A1 protein (p.Glu779Gln). This variant is not present in population databases (gnomAD no frequency). This variant has not been reported in the literature in individuals affected with COL11A1-related conditions. ClinVar contains an entry for this variant (Variation ID: 2795350). Invitae Evidence Modeling of protein sequence and biophysical properties (such as structural, functional, and spatial information, amino acid conservation, physicochemical variation, residue mobility, and thermodynamic stability) has been performed for this missense variant. However, the output from this modeling did not meet the statistical confidence thresholds required to predict the impact of this variant on COL11A1 protein function. In summary, the available evidence is currently insufficient to determine the role of this variant in disease. Therefore, it has been classified as a Variant of Uncertain Significance.